The following is an entry in ClinVar:

ClinVar aggregate classification (germline): Uncertain significance. Review status: criteria provided, multiple submitters, no conflicts (2 of 4 stars). 2 submissions from 2 submitters: Uncertain significance (2). Last evaluated 2025-08-19.

Conditions:
Inborn genetic diseases. Identifiers: MedGen C0950123, MeSH D030342.

Allele frequency attached by ClinVar (database versions not stated): gnomAD exomes below 0.00001 and 0.00002; ExAC 0.00001; gnomAD 0.00001; TOPMed 0.00001; ESP Exome Variant Server 0.00008.
gnomAD v4.1: 26 of 1,614,066 alleles (0.0016%); highest among the groups gnomAD compares: Non-Finnish European, 0.0022%; no homozygotes.

Submissions (2):

Ambry Genetics
Classification: Uncertain significance for Inborn genetic diseases. Last evaluated: 2025-08-19. Review status: criteria provided, single submitter. Criteria: Ambry Variant Classification Scheme 2023. Collection method: clinical testing. Allele origin: germline.

Labcorp Genetics (formerly Invitae), Labcorp
Classification: Uncertain significance. Last evaluated: 2025-06-04. Review status: criteria provided, single submitter. Criteria: Invitae Variant Classification Sherloc (09022015). Collection method: clinical testing. Allele origin: germline.
Comment: This sequence change replaces aspartic acid, which is acidic and polar, with histidine, which is basic and polar, at codon 33 of the MYH3 protein (p.Asp33His). This variant is present in population databases (rs143168289, gnomAD 0.002%). This variant has not been reported in the literature in individuals affected with MYH3-related conditions. ClinVar contains an entry for this variant (Variation ID: 1498916). Invitae Evidence Modeling of protein sequence and biophysical properties (such as structural, functional, and spatial information, amino acid conservation, physicochemical variation, residue mobility, and thermodynamic stability) has been performed for this missense variant. However, the output from this modeling did not meet the statistical confidence thresholds required to predict the impact of this variant on MYH3 protein function. In summary, the available evidence is currently insufficient to determine the role of this variant in disease. Therefore, it has been classified as a Variant of Uncertain Significance.

NM_002470.4(MYH3):c.97G>C (p.Asp33His)

Gene: MYH3 (myosin heavy chain 3; minus strand). Cytogenetic location: 17p13.1.
Variant type: single nucleotide variant.
Coding change: c.97G>C on transcript NM_002470.4 (MANE Select); coding-DNA position 97, G replaced by C.
Protein change: p.Asp33His; replaces aspartic acid 33 with histidine.
Molecular consequence: missense variant.
Genome position (GRCh38, 1-based): chr17:10,654,968, C>G on the plus strand (G>C on the coding strand, the complement: MYH3 is on the minus strand). VCF-style: chr17-10654968-C-G. GRCh37 (hg19) VCF-style: chr17-10558285-C-G.
Other names: c.97G>C (NM_002470.3); short protein forms D33H.
Identifiers: ClinVar variation 1498916 (VCV001498916.9), dbSNP rs143168289, ClinGen allele CA8393413.